The following is an entry in ClinVar:

NM_004360.5(CDH1):c.1465C>T (p.Pro489Ser)

Gene: CDH1 (cadherin 1; plus strand). Cytogenetic location: 16q22.1.
Variant type: single nucleotide variant.
Coding change: c.1465C>T on transcript NM_004360.5 (MANE Select); coding-DNA position 1465, C replaced by T.
Protein change: p.Pro489Ser; replaces proline 489 with serine.
Molecular consequence: missense variant. On other transcripts: 5 prime UTR variant (2).
Genome position (GRCh38, 1-based): chr16:68,815,659, C>T. VCF-style: chr16-68815659-C-T. GRCh37 (hg19) VCF-style: chr16-68849562-C-T.
Other names: c.1465C>T (LRG_301t1, NM_004360.4); c.1282C>T, p.Pro428Ser (NM_001317184.2); c.-84C>T (NM_001317185.2); c.-355C>T (NM_001317186.2); short protein forms P489S, P428S.
Identifiers: ClinVar variation 185854 (VCV000185854.17), dbSNP rs786202508, ClinGen allele CA193167.
Genomic context (GRCh38, chr16:68,815,659, plus strand): 5'-TCCACAGCCACCGTCACCGTGGATGTGCTGGATGTGAATGAAGCCCCCATCTTTGTGCCT[C>T]CTGAAAAGAGAGTGGAAGTGTCCGAGGACTTTGGCGTGGGCCAGGAAATCACATCCTACA-3'
Protein context (NP_004351.1, residues 479-499): DVNEAPIFVP[Pro489Ser]EKRVEVSEDF

ClinVar aggregate classification (germline): Conflicting classifications of pathogenicity. Review status: criteria provided, conflicting classifications (1 of 4 stars). 4 submissions from 4 submitters: Uncertain significance (3); Likely benign (1). Last evaluated 2026-08-07.

Conditions:
Hereditary cancer-predisposing syndrome. Also called: Neoplastic Syndromes, Hereditary; Hereditary Cancer Syndrome; Tumor predisposition; Hereditary neoplastic syndrome. Identifiers: Orphanet 140162, MedGen C0027672, MeSH D009386, MONDO:0015356.
Hereditary diffuse gastric adenocarcinoma (HDGC). Also called: DIFFUSE GASTRIC AND LOBULAR BREAST CANCER SYNDROME. Identifiers: Orphanet 26106, MedGen C1708349, MONDO:0007648, OMIM 137215.

Submissions (4):

Ambry Genetics
Classification: Likely benign for Hereditary cancer-predisposing syndrome. Last evaluated: 2026-08-07. Review status: criteria provided, single submitter. Criteria: Ambry Variant Classification Scheme 2023. Collection method: clinical testing. Allele origin: germline.

Labcorp Genetics (formerly Invitae), Labcorp
Classification: Uncertain significance for Hereditary diffuse gastric adenocarcinoma. Last evaluated: 2025-09-27. Review status: criteria provided, single submitter. Criteria: Invitae Variant Classification Sherloc (09022015). Collection method: clinical testing. Allele origin: germline.
Comment: This sequence change replaces proline, which is neutral and non-polar, with serine, which is neutral and polar, at codon 489 of the CDH1 protein (p.Pro489Ser). This variant is not present in population databases (gnomAD no frequency). This variant has not been reported in the literature in individuals affected with CDH1-related conditions. ClinVar contains an entry for this variant (Variation ID: 185854). An algorithm developed to predict the effect of missense changes on protein structure and function (PolyPhen-2) suggests that this variant is likely to be tolerated. In summary, the available evidence is currently insufficient to determine the role of this variant in disease. Therefore, it has been classified as a Variant of Uncertain Significance.

Color Diagnostics, LLC DBA Color Health
Classification: Uncertain significance for Hereditary cancer-predisposing syndrome. Last evaluated: 2023-10-02. Review status: criteria provided, single submitter. Criteria: ACMG Guidelines, 2015. Collection method: clinical testing. Allele origin: germline.
Comment: This missense variant replaces proline with serine at codon 489 of the CDH1 protein. To our knowledge, functional studies have not been reported for this variant. This variant has been reported in an individual affected with breast cancer and family history of breast cancer (PMID: 36436516) . This variant has not been identified in the general population by the Genome Aggregation Database (gnomAD). The available evidence is insufficient to determine the role of this variant in disease conclusively. Therefore, this variant is classified as a Variant of Uncertain Significance.

European Reference Network on Genetic Tumour Risk Syndromes (ERN-GENTURIS), i3s - Instituto de Investigação e Inovação em Saúde, University of Porto
Classification: Uncertain significance for Hereditary diffuse gastric adenocarcinoma. Last evaluated: 2022-08-01. Review status: criteria provided, single submitter. Criteria: Lee et al. (Hum Mutat. 2018). Collection method: clinical testing. Allele origin: germline. Inheritance: Autosomal dominant inheritance. Affected: no. Study: ERN GENTURIS.
Comment: PM2 (PMID: 30311375)

Literature cited by the submitters: PubMed 36436516 (cited by 3 submitters).